The following is an entry in ClinVar:

NC_000011.9:g.(?_9809161)_(9812250_?)del

Gene: SBF2 (SET binding factor 2; minus strand). Cytogenetic location: 11p15.4.
Variant type: Deletion.
Identifiers: ClinVar variation 2426959 (VCV002426959.4).

ClinVar aggregate classification (germline): Pathogenic (1 of 4 stars; one submission).

Conditions:
Charcot-Marie-Tooth disease type 4. Also called: Charcot-Marie-Tooth, Type 4; Charcot-Marie-Tooth disease, type IV. Identifiers: Orphanet 64749, MedGen C4082197, MONDO:0018995.

Submission:

Labcorp Genetics (formerly Invitae), Labcorp
Classification: Pathogenic for Charcot-Marie-Tooth disease type 4. Last evaluated: 2021-10-21. Review status: criteria provided, single submitter. Criteria: Invitae Variant Classification Sherloc (09022015). Collection method: clinical testing. Allele origin: germline.
Comment: This variant is a gross deletion of the genomic region encompassing exon(s) 34-36 of the SBF2 gene. This deletion is out-of-frame, and is expected to create a premature termination codon and result in an absent or disrupted protein product. Loss-of-function variants in SBF2 are known to be pathogenic (PMID: 12687498, 25873783). This variant has not been reported in the literature in individuals affected with SBF2-related conditions. For these reasons, this variant has been classified as Pathogenic.

Literature cited by the submitters: PubMed 12687498; PubMed 25873783.